The following is an entry in ClinVar:

NM_000186.4(CFH):c.1444G>T (p.Val482Leu)

Gene: CFH (complement factor H; plus strand). Cytogenetic location: 1q31.3.
Variant type: single nucleotide variant.
Coding change: c.1444G>T on transcript NM_000186.4 (MANE Select); coding-DNA position 1444, G replaced by T.
Protein change: p.Val482Leu; replaces valine 482 with leucine.
Molecular consequence: missense variant.
Genome position (GRCh38, 1-based): chr1:196,713,842, G>T. VCF-style: chr1-196713842-G-T. GRCh37 (hg19) VCF-style: chr1-196682972-G-T.
Other names: short protein forms V482L.
Identifiers: ClinVar variation 2805595 (VCV002805595.3), dbSNP rs758155649, ClinGen allele CA343982077.

ClinVar aggregate classification (germline): Uncertain significance (1 of 4 stars; one submission).

Submission:

Labcorp Genetics (formerly Invitae), Labcorp
Classification: Uncertain significance. Last evaluated: 2023-08-10. Review status: criteria provided, single submitter. Criteria: Invitae Variant Classification Sherloc (09022015). Collection method: clinical testing. Allele origin: germline.
Comment: In summary, the available evidence is currently insufficient to determine the role of this variant in disease. Therefore, it has been classified as a Variant of Uncertain Significance. Algorithms developed to predict the effect of missense changes on protein structure and function output the following: SIFT: "Not Available"; PolyPhen-2: "Benign"; Align-GVGD: "Not Available". The leucine amino acid residue is found in multiple mammalian species, which suggests that this missense change does not adversely affect protein function. This variant has not been reported in the literature in individuals affected with CFH-related conditions. This variant is not present in population databases (gnomAD no frequency). This sequence change replaces valine, which is neutral and non-polar, with leucine, which is neutral and non-polar, at codon 482 of the CFH protein (p.Val482Leu).